The following is an entry in ClinVar:

ClinVar aggregate classification (germline): Uncertain significance (0 of 4 stars; one submission).

Conditions:
ALMS1-related disorder. Also called: ALMS1-related condition.

Submission:

PreventionGenetics, part of Exact Sciences
Classification: Uncertain significance for ALMS1-related condition. Last evaluated: 2024-03-04. Review status: no assertion criteria provided. Collection method: clinical testing. Allele origin: germline.
Comment: The ALMS1 c.7726A>G variant is predicted to result in the amino acid substitution p.Ile2576Val. To our knowledge, this variant has not been reported in the literature or in a large population database, indicating this variant is rare. At this time, the clinical significance of this variant is uncertain due to the absence of conclusive functional and genetic evidence.

NM_001378454.1(ALMS1):c.7723A>G (p.Ser2575Gly)

Gene: ALMS1 (ALMS1 centrosome and basal body associated protein; plus strand). Cytogenetic location: 2p13.1.
Variant type: single nucleotide variant.
Coding change: c.7723A>G on transcript NM_001378454.1 (MANE Select); coding-DNA position 7723, A replaced by G.
Protein change: p.Ser2575Gly; replaces serine 2575 with glycine.
Molecular consequence: missense variant.
Genome position (GRCh38, 1-based): chr2:73,489,682, A>G. VCF-style: chr2-73489682-A-G. GRCh37 (hg19) VCF-style: chr2-73716809-A-G.
Other names: c.7726A>G, p.Ser2576Gly (NM_015120.4); short protein forms S2575G, S2576G.
Identifiers: ClinVar variation 3356083 (VCV003356083.1).